The following is an entry in ClinVar:

NM_003579.4(RAD54L):c.694A>G (p.Lys232Glu)

Gene: RAD54L (RAD54 like; plus strand). Cytogenetic location: 1p34.1.
Variant type: single nucleotide variant.
Coding change: c.694A>G on transcript NM_003579.4 (MANE Select); coding-DNA position 694, A replaced by G.
Protein change: p.Lys232Glu; replaces lysine 232 with glutamic acid.
Molecular consequence: missense variant.
Genome position (GRCh38, 1-based): chr1:46,260,943, A>G. VCF-style: chr1-46260943-A-G. GRCh37 (hg19) VCF-style: chr1-46726615-A-G.
Other names: c.694A>G, p.Lys232Glu (NM_001142548.2); c.154A>G, p.Lys52Glu (NM_001370766.1); short protein forms K232E, K52E.
Identifiers: ClinVar variation 3312422 (VCV003312422.1).

ClinVar aggregate classification (germline): Uncertain significance (1 of 4 stars; one submission).

gnomAD v4.1: 2 of 1,614,150 alleles (0.00012%); highest among the groups gnomAD compares: East Asian, 0.0045%; no homozygotes.

Submission:

Ambry Genetics
Classification: Uncertain significance. Last evaluated: 2024-05-24. Review status: criteria provided, single submitter. Criteria: Ambry Variant Classification Scheme 2023. Collection method: clinical testing. Allele origin: germline.
Comment: The p.K232E variant (also known as c.694A>G), located in coding exon 7 of the RAD54L gene, results from an A to G substitution at nucleotide position 694. The lysine at codon 232 is replaced by glutamic acid, an amino acid with similar properties. This amino acid position is conserved. In addition, this alteration is predicted to be deleterious by in silico analysis. Based on the available evidence, the clinical significance of this variant remains unclear.